The following is an entry in ClinVar:

ClinVar aggregate classification (germline): Uncertain significance (1 of 4 stars; one submission).

Conditions:
Fanconi anemia (FA). Also called: Fanconi's anemia. Identifiers: Orphanet 84, MedGen C0015625, MeSH D005199, MONDO:0019391.

Allele frequency attached by ClinVar (database versions not stated): gnomAD exomes 0.00001; TOPMed below 0.00001; ExAC 0.00007; ESP Exome Variant Server 0.00015.

Submission:

Labcorp Genetics (formerly Invitae), Labcorp
Classification: Uncertain significance for Fanconi anemia. Last evaluated: 2022-02-24. Review status: criteria provided, single submitter. Criteria: Invitae Variant Classification Sherloc (09022015). Collection method: clinical testing. Allele origin: germline.
Comment: This sequence change replaces glutamic acid, which is acidic and polar, with lysine, which is basic and polar, at codon 622 of the FANCD2 protein (p.Glu622Lys). The frequency data for this variant in the population databases is considered unreliable, as metrics indicate poor data quality at this position in the gnomAD database. This variant has not been reported in the literature in individuals affected with FANCD2-related conditions. ClinVar contains an entry for this variant (Variation ID: 653736). Algorithms developed to predict the effect of missense changes on protein structure and function output the following: SIFT: "Tolerated"; PolyPhen-2: "Benign"; Align-GVGD: "Class C0". The lysine amino acid residue is found in multiple mammalian species, which suggests that this missense change does not adversely affect protein function. In summary, the available evidence is currently insufficient to determine the role of this variant in disease. Therefore, it has been classified as a Variant of Uncertain Significance.

NM_001018115.3(FANCD2):c.1864G>A (p.Glu622Lys)

Genes: FANCD2 (FA complementation group D2; plus strand), LOC107303338 (3p25 FANCD2 Alu-mediated recombination region; plus strand). Cytogenetic location: 3p25.3.
Variant type: single nucleotide variant.
Coding change: c.1864G>A on transcript NM_001018115.3 (MANE Select); coding-DNA position 1864, G replaced by A.
Protein change: p.Glu622Lys; replaces glutamic acid 622 with lysine.
Molecular consequence: missense variant.
Genome position (GRCh38, 1-based): chr3:10,063,828, G>A. VCF-style: chr3-10063828-G-A. GRCh37 (hg19) VCF-style: chr3-10105512-G-A.
Other names: c.1864G>A, p.Glu622Lys (NM_001319984.2, NM_001374254.1, NM_033084.6); c.1753G>A, p.Glu585Lys (NM_001374253.1); short protein forms E622K, E585K.
Identifiers: ClinVar variation 653736 (VCV000653736.6), dbSNP rs375951862, ClinGen allele CA2249854.